The following is an entry in ClinVar:

NM_017433.5(MYO3A):c.2492A>C (p.His831Pro)

Gene: MYO3A (myosin IIIA; plus strand). Cytogenetic location: 10p12.1.
Variant type: single nucleotide variant.
Coding change: c.2492A>C on transcript NM_017433.5 (MANE Select); coding-DNA position 2492, A replaced by C.
Protein change: p.His831Pro; replaces histidine 831 with proline.
Molecular consequence: missense variant.
Genome position (GRCh38, 1-based): chr10:26,145,521, A>C. VCF-style: chr10-26145521-A-C. GRCh37 (hg19) VCF-style: chr10-26434450-A-C.
Other names: short protein forms H831P.
Identifiers: ClinVar variation 2731970 (VCV002731970.3), dbSNP rs2493701994, ClinGen allele CA376334960.

ClinVar aggregate classification (germline): Uncertain significance (1 of 4 stars; one submission).

Submission:

Labcorp Genetics (formerly Invitae), Labcorp
Classification: Uncertain significance. Last evaluated: 2023-06-28. Review status: criteria provided, single submitter. Criteria: Invitae Variant Classification Sherloc (09022015). Collection method: clinical testing. Allele origin: germline.
Comment: In summary, the available evidence is currently insufficient to determine the role of this variant in disease. Therefore, it has been classified as a Variant of Uncertain Significance. Advanced modeling of protein sequence and biophysical properties (such as structural, functional, and spatial information, amino acid conservation, physicochemical variation, residue mobility, and thermodynamic stability) performed at Invitae indicates that this missense variant is expected to disrupt MYO3A protein function. This variant has not been reported in the literature in individuals affected with MYO3A-related conditions. This variant is not present in population databases (gnomAD no frequency). This sequence change replaces histidine, which is basic and polar, with proline, which is neutral and non-polar, at codon 831 of the MYO3A protein (p.His831Pro).